The following is an entry in ClinVar:

ClinVar aggregate classification (germline): Likely benign (0 of 4 stars; one submission).

Conditions:
EIF2B5-related disorder. Also called: EIF2B5-related condition.

Allele frequency attached by ClinVar (database versions not stated): gnomAD exomes below 0.00001.
gnomAD v4.1: 1 of 1,574,986 alleles (0.000063%); highest among the groups gnomAD compares: Non-Finnish European, 0.000086%; no homozygotes.

Submission:

PreventionGenetics, part of Exact Sciences
Classification: Likely benign for EIF2B5-related condition. Last evaluated: 2022-01-26. Review status: no assertion criteria provided. Collection method: clinical testing. Allele origin: germline.
Comment: This variant is classified as likely benign based on ACMG/AMP sequence variant interpretation guidelines (Richards et al. 2015 PMID: 25741868, with internal and published modifications).

NM_003907.3(EIF2B5):c.-6A>G

Gene: EIF2B5 (eukaryotic translation initiation factor 2B subunit epsilon; plus strand). Cytogenetic location: 3q27.1.
Variant type: single nucleotide variant.
Coding change: c.-6A>G on transcript NM_003907.3 (MANE Select); 6 bases upstream of the start codon, A replaced by G.
Molecular consequence: 5 prime UTR variant.
Genome position (GRCh38, 1-based): chr3:184,135,380, A>G. VCF-style: chr3-184135380-A-G. GRCh37 (hg19) VCF-style: chr3-183853168-A-G.
Identifiers: ClinVar variation 3061575 (VCV003061575.2), dbSNP rs2473657266, ClinGen allele CA2577974731.